The following is an entry in ClinVar:

ClinVar aggregate classification (germline): Likely benign (1 of 4 stars; one submission).

Submission:

Mayo Clinic Laboratories, Mayo Clinic
Classification: Likely benign. Last evaluated: 2025-10-19. Review status: criteria provided, single submitter. Criteria: ACMG Guidelines, 2015. Collection method: clinical testing. Allele origin: germline. Observed: 1 variant allele.
Comment: BP4, BP7

NM_030962.4(SBF2):c.3786A>G (p.Leu1262=)

Gene: SBF2 (SET binding factor 2; minus strand). Cytogenetic location: 11p15.4.
Variant type: single nucleotide variant.
Coding change: c.3786A>G on transcript NM_030962.4 (MANE Select); coding-DNA position 3786, A replaced by G.
Protein change: p.Leu1262=; no amino-acid change (leucine 1262 retained).
Molecular consequence: synonymous variant. On other transcripts: intron variant (1).
Genome position (GRCh38, 1-based): chr11:9,829,363, T>C on the plus strand (A>G on the coding strand, the complement: SBF2 is on the minus strand). VCF-style: chr11-9829363-T-C. GRCh37 (hg19) VCF-style: chr11-9850910-T-C.
Other names: p.Leu1262=; c.3786A>G, p.Leu1262= (NM_001386339.1); c.3657A>G, p.Leu1219= (NM_001386342.1); c.3822A>G, p.Leu1274= (NM_001424318.1, NM_001425070.1); c.3688+2861A>G (NM_001425069.1).
Identifiers: ClinVar variation 4683598 (VCV004683598.1).
Genomic context (GRCh38, chr11:9,829,363, plus strand): 5'-GAACTGACCTTTCATTAGAAGCTGTCAAGAAGAAAAGTATTATCAAATCTTACCTGGAGA[T>C]AGAGCAAAGGCTGGCCTGACAGTAAGAGTGCTGTTGCCTCTGAGTTTCTGATGGACAGAA-3'
Protein context (NP_112224.1, residues 1252-1272): STLTVRPAFA[Leu1262=]SPGVWASLRS